The following is an entry in ClinVar:

NM_017612.5(ZCCHC8):c.931T>C (p.Tyr311His)

Gene: ZCCHC8 (zinc finger CCHC-type containing 8; minus strand). Cytogenetic location: 12q24.31.
Variant type: single nucleotide variant.
Coding change: c.931T>C on transcript NM_017612.5 (MANE Select); coding-DNA position 931, T replaced by C.
Protein change: p.Tyr311His; replaces tyrosine 311 with histidine.
Molecular consequence: missense variant.
Genome position (GRCh38, 1-based): chr12:122,481,609, A>G on the plus strand (T>C on the coding strand, the complement: ZCCHC8 is on the minus strand). VCF-style: chr12-122481609-A-G. GRCh37 (hg19) VCF-style: chr12-122966156-A-G.
Other names: c.700T>C, p.Tyr234His (NM_001350935.2); c.634T>C, p.Tyr212His (NM_001350936.2); c.217T>C, p.Tyr73His (NM_001350937.2, NM_001350938.2); short protein forms Y212H, Y234H, Y73H, Y311H.
Identifiers: ClinVar variation 2820457 (VCV002820457.3), dbSNP rs2547203533, ClinGen allele CA387052586.

ClinVar aggregate classification (germline): Uncertain significance (1 of 4 stars; one submission).

Submission:

Labcorp Genetics (formerly Invitae), Labcorp
Classification: Uncertain significance. Last evaluated: 2022-12-20. Review status: criteria provided, single submitter. Criteria: Invitae Variant Classification Sherloc (09022015). Collection method: clinical testing. Allele origin: germline.
Comment: This variant has not been reported in the literature in individuals affected with ZCCHC8-related conditions. In summary, the available evidence is currently insufficient to determine the role of this variant in disease. Therefore, it has been classified as a Variant of Uncertain Significance. Advanced modeling of protein sequence and biophysical properties (such as structural, functional, and spatial information, amino acid conservation, physicochemical variation, residue mobility, and thermodynamic stability) performed at Invitae indicates that this missense variant is expected to disrupt ZCCHC8 protein function. This variant is not present in population databases (gnomAD no frequency). This sequence change replaces tyrosine, which is neutral and polar, with histidine, which is basic and polar, at codon 311 of the ZCCHC8 protein (p.Tyr311His).